The following is an entry in ClinVar:

ClinVar aggregate classification (germline): Likely benign (1 of 4 stars; one submission).

Conditions:
MC4R-related disorder. Also called: MC4R-related condition.

Submission:

PreventionGenetics, part of Exact Sciences
Classification: Likely benign for MC4R-related condition. Last evaluated: 2024-11-04. Review status: criteria provided, single submitter. Criteria: ACMG Guidelines, 2015. Collection method: clinical testing. Allele origin: germline.
Comment: This variant is classified as likely benign based on ACMG/AMP sequence variant interpretation guidelines (Richards et al. 2015 PMID: 25741868, with internal and published modifications).

NM_005912.3(MC4R):c.649C>T (p.Leu217=)

Gene: MC4R (melanocortin 4 receptor; minus strand). Cytogenetic location: 18q21.32.
Variant type: single nucleotide variant.
Coding change: c.649C>T on transcript NM_005912.3 (MANE Select); coding-DNA position 649, C replaced by T.
Protein change: p.Leu217=; no amino-acid change (leucine 217 retained).
Molecular consequence: synonymous variant.
Genome position (GRCh38, 1-based): chr18:60,371,701, G>A on the plus strand (C>T on the coding strand, the complement: MC4R is on the minus strand). VCF-style: chr18-60371701-G-A. GRCh37 (hg19) VCF-style: chr18-58038934-G-A.
Identifiers: ClinVar variation 4998912 (VCV004998912.1).